The following is an entry in ClinVar:

NC_000023.11:g.71171501CTTC[2]

Gene: NLGN3 (neuroligin 3; plus strand). Cytogenetic location: Xq13.1.
Variant type: Microsatellite.
Genome position: GRCh38 VCF-style: chrX-71171500-ACTTC-A. GRCh37 (hg19) VCF-style: chrX-70391350-ACTTC-A.
Identifiers: ClinVar variation 3778330 (VCV003778330.7).

ClinVar aggregate classification (germline): Uncertain significance (1 of 4 stars; one submission).

Submission:

CeGaT Center for Human Genetics Tuebingen
Classification: Uncertain significance. Last evaluated: 2025-03-01. Review status: criteria provided, single submitter. Criteria: CeGaT Center For Human Genetics Tuebingen Variant Classification Criteria Version 2. Collection method: clinical testing. Allele origin: germline. Affected: yes. Observed: 1 variant allele.
Comment: NLGN3: PM2